The following is an entry in ClinVar:

ClinVar aggregate classification (germline): Benign (0 of 4 stars; one submission).

Conditions:
DHX16-related disorder. Also called: DHX16-related condition.

Allele frequency attached by ClinVar (database versions not stated): 1000 Genomes Project 30x 0.00422; 1000 Genomes Project 0.00459.
gnomAD v4.1: 15,964 of 1,553,448 alleles (1%); highest among the groups gnomAD compares: Non-Finnish European, 1.2%; 107 homozygotes.

Submission:

PreventionGenetics, part of Exact Sciences
Classification: Benign for DHX16-related condition. Last evaluated: 2019-11-05. Review status: no assertion criteria provided. Collection method: clinical testing. Allele origin: germline.
Comment: This variant is classified as benign based on ACMG/AMP sequence variant interpretation guidelines (Richards et al. 2015 PMID: 25741868, with internal and published modifications).

NM_003587.5(DHX16):c.-120C>T

Gene: DHX16 (DEAH-box helicase 16; minus strand). Cytogenetic location: 6p21.33.
Variant type: single nucleotide variant.
Coding change: c.-120C>T on transcript NM_003587.5 (MANE Select); 120 bases upstream of the start codon, C replaced by T.
Molecular consequence: 5 prime UTR variant. On other transcripts: missense variant (1).
Genome position (GRCh38, 1-based): chr6:30,672,961, G>A on the plus strand (C>T on the coding strand, the complement: DHX16 is on the minus strand). VCF-style: chr6-30672961-G-A. GRCh37 (hg19) VCF-style: chr6-30640738-G-A.
Other names: c.22C>T, p.Pro8Ser (NM_001164239.2); c.-2239C>T (NM_001363515.2); short protein forms P8S.
Identifiers: ClinVar variation 3042228 (VCV003042228.2), dbSNP rs144057215, ClinGen allele CA3701625.
Genomic context (GRCh38, chr6:30,672,961, plus strand): 5'-GCCGGTCAGAGGCCTGGAGCCCTCGGCTGGAGCCTCAGCTTCGCAAGTCAGCTACCTTGG[G>A]ACCTCTAGGATCTTCCGACATCCCAAAGCTGTCTTCCCGTACCGCGGAGCCCGGAAGGGG-3'